The following is an entry in ClinVar:

NM_000026.4(ADSL):c.1256G>T (p.Gly419Val)

Gene: ADSL (adenylosuccinate lyase; plus strand). Cytogenetic location: 22q13.1.
Variant type: single nucleotide variant.
Coding change: c.1256G>T on transcript NM_000026.4 (MANE Select); coding-DNA position 1256, G replaced by T.
Protein change: p.Gly419Val; replaces glycine 419 with valine.
Molecular consequence: missense variant. On other transcripts: non-coding transcript variant (1), intron variant (1).
Genome position (GRCh38, 1-based): chr22:40,364,944, G>T. VCF-style: chr22-40364944-G-T. GRCh37 (hg19) VCF-style: chr22-40760948-G-T.
Other names: c.1064G>T, p.Gly355Val (NM_001317923.2); c.1256G>T, p.Gly419Val (NM_001363840.3); c.1191+579G>T (NM_001123378.3); short protein forms G419V, G355V.
Identifiers: ClinVar variation 341660 (VCV000341660.9), dbSNP rs886057505, ClinGen allele CA10651311.
Genomic context (GRCh38, chr22:40,364,944, plus strand): 5'-GCCATGAGAAAATCAGAGTGCTTTCTCAGCAGGCAGCTTCTGTGGTTAAGCAGGAAGGGG[G>T]TGACAATGACCTCATAGAGCGTATCCAGGTTGATGCCTACTTCAGTCCCATTCACTCCCA-3'
Protein context (NP_000017.1, residues 409-429): QAASVVKQEG[Gly419Val]DNDLIERIQV

ClinVar aggregate classification (germline): Uncertain significance. Review status: criteria provided, multiple submitters, no conflicts (2 of 4 stars). 2 submissions from 2 submitters: Uncertain significance (2). Last evaluated 2022-07-11.

Conditions:
Adenylosuccinate lyase deficiency (ADSLD). Also called: ADSL DEFICIENCY. Identifiers: Orphanet 46, MedGen C0268126, MONDO:0007068, OMIM 103050.

Allele frequency attached by ClinVar (database versions not stated): gnomAD exomes below 0.00001; TOPMed below 0.00001; gnomAD 0.00001.
gnomAD v4.1: 2 of 1,614,082 alleles (0.00012%); highest among the groups gnomAD compares: Admixed American, 0.0033%; no homozygotes.

Submissions (2):

Labcorp Genetics (formerly Invitae), Labcorp
Classification: Uncertain significance for Adenylosuccinate lyase deficiency. Last evaluated: 2022-07-11. Review status: criteria provided, single submitter. Criteria: Invitae Variant Classification Sherloc (09022015). Collection method: clinical testing. Allele origin: germline.
Comment: This sequence change replaces glycine, which is neutral and non-polar, with valine, which is neutral and non-polar, at codon 419 of the ADSL protein (p.Gly419Val). This variant is present in population databases (no rsID available, gnomAD 0.006%). This variant has not been reported in the literature in individuals affected with ADSL-related conditions. ClinVar contains an entry for this variant (Variation ID: 341660). Algorithms developed to predict the effect of missense changes on protein structure and function are either unavailable or do not agree on the potential impact of this missense change (SIFT: "Tolerated"; PolyPhen-2: "Possibly Damaging"; Align-GVGD: "Class C0"). In summary, the available evidence is currently insufficient to determine the role of this variant in disease. Therefore, it has been classified as a Variant of Uncertain Significance.

Illumina Laboratory Services, Illumina
Classification: Uncertain significance for Adenylosuccinate lyase deficiency. Last evaluated: 2018-01-12. Review status: criteria provided, single submitter. Criteria: ICSL Variant Classification Criteria 13 December 2019. Collection method: clinical testing. Allele origin: germline.